The following is an entry in ClinVar:

ClinVar aggregate classification (germline): Uncertain significance (1 of 4 stars; one submission).

Conditions:
Hereditary cancer-predisposing syndrome. Also called: Hereditary Cancer Syndrome; Tumor predisposition; Hereditary neoplastic syndrome; Neoplastic Syndromes, Hereditary. Identifiers: Orphanet 140162, MedGen C0027672, MeSH D009386, MONDO:0015356.

Submission:

Ambry Genetics
Classification: Uncertain significance for Hereditary cancer-predisposing syndrome. Last evaluated: 2024-10-14. Review status: criteria provided, single submitter. Criteria: Ambry Variant Classification Scheme 2023. Collection method: clinical testing. Allele origin: germline.
Comment: The p.A564G variant (also known as c.1691C>G), located in coding exon 14 of the MRE11A gene, results from a C to G substitution at nucleotide position 1691. The alanine at codon 564 is replaced by glycine, an amino acid with similar properties. This amino acid position is conserved. In addition, this alteration is predicted to be tolerated by in silico analysis. Based on the available evidence, the clinical significance of this variant remains unclear.

NM_005591.4(MRE11):c.1691C>G (p.Ala564Gly)

Gene: MRE11 (MRE11 double strand break repair nuclease; minus strand). Cytogenetic location: 11q21.
Variant type: single nucleotide variant.
Coding change: c.1691C>G on transcript NM_005591.4 (MANE Select); coding-DNA position 1691, C replaced by G.
Protein change: p.Ala564Gly; replaces alanine 564 with glycine.
Molecular consequence: missense variant.
Genome position (GRCh38, 1-based): chr11:94,447,311, G>C on the plus strand (C>G on the coding strand, the complement: MRE11 is on the minus strand). VCF-style: chr11-94447311-G-C. GRCh37 (hg19) VCF-style: chr11-94180477-G-C.
Other names: c.1691C>G, p.Ala564Gly (NM_001330347.2, NM_005590.4); short protein forms A564G.
Identifiers: ClinVar variation 3397874 (VCV003397874.1).